The following is an entry in ClinVar:

ClinVar aggregate classification (germline): Uncertain significance (1 of 4 stars; one submission).

Conditions:
Cardiovascular phenotype. Identifiers: MedGen CN230736.

Submission:

Ambry Genetics
Classification: Uncertain significance for Cardiovascular phenotype. Last evaluated: 2023-07-03. Review status: criteria provided, single submitter. Criteria: Ambry Variant Classification Scheme 2023. Collection method: clinical testing. Allele origin: germline.
Comment: The p.E2032A variant (also known as c.6095A>C), located in coding exon 25 of the AKAP9 gene, results from an A to C substitution at nucleotide position 6095. The glutamic acid at codon 2032 is replaced by alanine, an amino acid with dissimilar properties. This amino acid position is conserved. In addition, the in silico prediction for this alteration is inconclusive. Since supporting evidence is limited at this time, the clinical significance of this alteration remains unclear.

NM_005751.5(AKAP9):c.6095A>C (p.Glu2032Ala)

Gene: AKAP9 (A-kinase anchoring protein 9; plus strand). Cytogenetic location: 7q21.2.
Variant type: single nucleotide variant.
Coding change: c.6095A>C on transcript NM_005751.5 (MANE Select); coding-DNA position 6095, A replaced by C.
Protein change: p.Glu2032Ala; replaces glutamic acid 2032 with alanine.
Molecular consequence: missense variant.
Genome position (GRCh38, 1-based): chr7:92,065,348, A>C. VCF-style: chr7-92065348-A-C. GRCh37 (hg19) VCF-style: chr7-91694662-A-C.
Other names: c.740A>C, p.Glu247Ala (NM_001379277.1); c.6095A>C, p.Glu2032Ala (NM_147185.3); short protein forms E2032A, E247A.
Identifiers: ClinVar variation 2626281 (VCV002626281.2), dbSNP rs2535203926, ClinGen allele CA368132572.